The following is an entry in ClinVar:

ClinVar aggregate classification (germline): Uncertain significance. Review status: criteria provided, multiple submitters, no conflicts (2 of 4 stars). 3 submissions from 3 submitters: Uncertain significance (3). Last evaluated 2026-06-26.

Conditions:
Fraser syndrome 2 (FRASRS2). Identifiers: MedGen C4540036, MONDO:0054738, OMIM 617666.
Isolated cryptophthalmia. Also called: Cryptophthalmos, unilateral or bilateral, isolated; ANKYLOBLEPHARON, SIMPLE. Identifiers: Orphanet 91396, MedGen C1852453, MONDO:0007410, OMIM 123570.
Inborn genetic diseases. Identifiers: MedGen C0950123, MeSH D030342.
FREM2-related disorder. Also called: FREM2-related condition.

Allele frequency attached by ClinVar (database versions not stated): TOPMed 0.00001; ExAC 0.00002; gnomAD exomes 0.00002; gnomAD 0.00001.
gnomAD v4.1: 27 of 1,614,036 alleles (0.0017%); highest among the groups gnomAD compares: Non-Finnish European, 0.0022%; no homozygotes.

Submissions (3):

PreventionGenetics, part of Exact Sciences
Classification: Uncertain significance for FREM2-related condition. Last evaluated: 2026-06-26. Review status: criteria provided, single submitter. Criteria: ACMG Guidelines, 2015. Collection method: clinical testing. Allele origin: germline.
Comment: The FREM2 c.2834A>G variant is predicted to result in the amino acid substitution p.His945Arg. To our knowledge, this variant has not been reported in the literature. This variant is reported in 0.0031% of alleles in individuals of European (Non-Finnish) descent in gnomAD. At this time, the clinical significance of this variant is uncertain due to the absence of conclusive functional and genetic evidence.

Fulgent Genetics
Classification: Uncertain significance for Isolated cryptophthalmia; Fraser syndrome 2. Last evaluated: 2024-02-02. Review status: criteria provided, single submitter. Criteria: ACMG Guidelines, 2015. Collection method: clinical testing. Allele origin: germline.

Ambry Genetics
Classification: Uncertain significance for Inborn genetic diseases. Last evaluated: 2023-05-24. Review status: criteria provided, single submitter. Criteria: Ambry Variant Classification Scheme 2023. Collection method: clinical testing. Allele origin: germline.

NM_207361.6(FREM2):c.2834A>G (p.His945Arg)

Gene: FREM2 (FRAS1 related extracellular matrix 2; plus strand). Cytogenetic location: 13q13.3.
Variant type: single nucleotide variant.
Coding change: c.2834A>G on transcript NM_207361.6 (MANE Select); coding-DNA position 2834, A replaced by G.
Protein change: p.His945Arg; replaces histidine 945 with arginine.
Molecular consequence: missense variant.
Genome position (GRCh38, 1-based): chr13:38,690,178, A>G. VCF-style: chr13-38690178-A-G. GRCh37 (hg19) VCF-style: chr13-39264315-A-G.
Other names: c.2834A>G (NM_207361.5); short protein forms H945R.
Identifiers: ClinVar variation 2508225 (VCV002508225.4), dbSNP rs752533715, ClinGen allele CA6954681.
Genomic context (GRCh38, chr13:38,690,178, plus strand): 5'-TGCCCATCACTCTCAGAGTAAATGTCCGGCCAGTGGATGATGAAGTGCCCATACTGAGCC[A>G]TCCTACTGGCACTCTGGAGTCCTATCTAGATGTCTTAGAAAATGGGGCTACTGAAATCAC-3'
Protein context (NP_997244.4, residues 935-955): PVDDEVPILS[His945Arg]PTGTLESYLD